The following is an entry in ClinVar:

ClinVar aggregate classification (germline): Uncertain significance (1 of 4 stars; one submission).

Conditions:
Cardiomyopathy (CMYO). Also called: Cardiomyopathies. Identifiers: Orphanet 167848, MedGen C0878544, MONDO:0004994, HP:0001638. Inheritance: Various modes of inheritance.

Submission:

All of Us Research Program, National Institutes of Health
Classification: Uncertain significance for Cardiomyopathy. Last evaluated: 2024-01-11. Review status: criteria provided, single submitter. Criteria: ACMG Guidelines, 2015. Collection method: clinical testing. Allele origin: germline. Inheritance: Autosomal dominant inheritance. Observed: 1 variant allele, 1 heterozygote.
Comment: This study involves interpretation of variants in research participants for the purpose of population health screening. Participant phenotype was not available at the time of variant classification. Additional details can be found in publication PMID: 35346344, PMCID: PMC8962531

NM_000257.4(MYH7):c.1652A>T (p.Lys551Met)

Gene: MYH7 (myosin heavy chain 7; minus strand). Cytogenetic location: 14q11.2.
Variant type: single nucleotide variant.
Coding change: c.1652A>T on transcript NM_000257.4 (MANE Select); coding-DNA position 1652, A replaced by T.
Protein change: p.Lys551Met; replaces lysine 551 with methionine.
Molecular consequence: missense variant.
Genome position (GRCh38, 1-based): chr14:23,427,821, T>A on the plus strand (A>T on the coding strand, the complement: MYH7 is on the minus strand). VCF-style: chr14-23427821-T-A. GRCh37 (hg19) VCF-style: chr14-23897030-T-A.
Other names: c.1652A>T, p.Lys551Met (NM_001407004.1); short protein forms K551M.
Identifiers: ClinVar variation 3075229 (VCV003075229.1), dbSNP rs2502297353, ClinGen allele CA389050109.